The following is an entry in ClinVar:

ClinVar aggregate classification (germline): Uncertain significance (1 of 4 stars; one submission).

Conditions:
Inborn genetic diseases. Identifiers: MedGen C0950123, MeSH D030342.

Submission:

Ambry Genetics
Classification: Uncertain significance for Inborn genetic diseases. Last evaluated: 2025-02-02. Review status: criteria provided, single submitter. Criteria: Ambry Variant Classification Scheme 2023. Collection method: clinical testing. Allele origin: germline.
Comment: The p.N59K variant (also known as c.177T>G), located in coding exon 2 of the SBDS gene, results from a T to G substitution at nucleotide position 177. The asparagine at codon 59 is replaced by lysine, an amino acid with similar properties. This amino acid position is conserved. In addition, the in silico prediction for this alteration is inconclusive. Based on the available evidence, the clinical significance of this variant remains unclear.

NM_016038.4(SBDS):c.177T>G (p.Asn59Lys)

Gene: SBDS (SBDS ribosome maturation factor; minus strand). Cytogenetic location: 7q11.21.
Variant type: single nucleotide variant.
Coding change: c.177T>G on transcript NM_016038.4 (MANE Select); coding-DNA position 177, T replaced by G.
Protein change: p.Asn59Lys; replaces asparagine 59 with lysine.
Molecular consequence: missense variant.
Genome position (GRCh38, 1-based): chr7:66,994,293, A>C on the plus strand (T>G on the coding strand, the complement: SBDS is on the minus strand). VCF-style: chr7-66994293-A-C. GRCh37 (hg19) VCF-style: chr7-66459280-A-C.
Other names: short protein forms N59K.
Identifiers: ClinVar variation 3792728 (VCV003792728.1).